The following is an entry in ClinVar:

ClinVar aggregate classification (germline): Benign/Likely benign. Review status: criteria provided, multiple submitters, no conflicts (2 of 4 stars). 7 submissions from 7 submitters: Benign (5); Likely benign (2). Last evaluated 2026-02-04.

Conditions:
Sitosterolemia 1. Identifiers: MedGen C2749759, MONDO:0020747, OMIM 210250.
Cardiovascular phenotype. Identifiers: MedGen CN230736.
Sitosterolemia (STSL). Also called: PHYTOSTEROLEMIA. Identifiers: Orphanet 2882, MedGen C0342907, MONDO:0008863.

Allele frequency attached by ClinVar (database versions not stated): gnomAD 0.01119 and 0.01035; gnomAD exomes 0.00097 and 0.00255; ExAC 0.00323; 1000 Genomes Project 30x 0.01046; 1000 Genomes Project 0.00978; TOPMed 0.01147; ESP Exome Variant Server 0.01199.
gnomAD v4.1: 3,047 of 1,614,222 alleles (0.19%); highest among the groups gnomAD compares: African/African-American, 3.6%; 57 homozygotes.

Submissions (7):

Labcorp Genetics (formerly Invitae), Labcorp
Classification: Benign for Sitosterolemia. Last evaluated: 2026-02-04. Review status: criteria provided, single submitter. Criteria: Invitae Variant Classification Sherloc (09022015). Collection method: clinical testing. Allele origin: germline.

Mayo Clinic Laboratories, Mayo Clinic
Classification: Benign. Last evaluated: 2024-12-26. Review status: criteria provided, single submitter. Criteria: ACMG Guidelines, 2015. Collection method: clinical testing. Allele origin: germline. Observed: 23 variant alleles.
Comment: BS1, BS2, BP4_moderate, PM1_supporting

Women's Health and Genetics/Laboratory Corporation of America, LabCorp
Classification: Benign. Last evaluated: 2024-06-18. Review status: criteria provided, single submitter. Criteria: LabCorp Variant Classification Summary - May 2015. Collection method: clinical testing. Allele origin: germline.
Comment: Variant summary: ABCG5 c.1550C>G (p.Thr517Ser) results in a conservative amino acid change located in the ABC-2 type transporter, transmembrane domain (IPR013525) of the encoded protein sequence. Four of five in-silico tools predict a benign effect of the variant on protein function. The variant allele was found at a frequency of 0.0025 in 251418 control chromosomes, predominantly at a frequency of 0.036 within the African or African-American subpopulation in the gnomAD database, including 12 homozygotes. The observed variant frequency within African or African-American control individuals in the gnomAD database is approximately 7.2 fold of the estimated maximal expected allele frequency for a pathogenic variant in ABCG5 causing Early Onset Coronary Artery Disease phenotype (0.005). To our knowledge, no occurrence of c.1550C>G in individuals affected with Early Onset Coronary Artery Disease and no experimental evidence demonstrating its impact on protein function have been reported. ClinVar contains an entry for this variant (Variation ID: 779657). Based on the evidence outlined above, the variant was classified as benign.

GeneDx
Classification: Likely benign. Last evaluated: 2021-08-12. Review status: criteria provided, single submitter. Criteria: GeneDx Variant Classification Process June 2021. Collection method: clinical testing. Allele origin: germline. Affected: yes.

Ambry Genetics
Classification: Benign for Cardiovascular phenotype. Last evaluated: 2020-11-16. Review status: criteria provided, single submitter. Criteria: Ambry Variant Classification Scheme 2023. Collection method: clinical testing. Allele origin: germline.

Illumina Laboratory Services, Illumina
Classification: Benign for Sitosterolemia 1. Last evaluated: 2018-01-13. Review status: criteria provided, single submitter. Criteria: ICSL Variant Classification Criteria 13 December 2019. Collection method: clinical testing. Allele origin: germline.
Comment: This variant was observed in the ICSL laboratory as part of a predisposition screen in an ostensibly healthy population. It had not been previously curated by ICSL or reported in the Human Gene Mutation Database (HGMD: prior to June 1st, 2018), and was therefore a candidate for classification through an automated scoring system. Utilizing variant allele frequency, disease prevalence and penetrance estimates, and inheritance mode, an automated score was calculated to assess if this variant is too frequent to cause the disease. Based on the score and internal cut-off values, a variant classified as benign is not then subjected to further curation. The score for this variant resulted in a classification of benign for this disease.

Breakthrough Genomics
Classification: Likely benign. Review status: criteria provided, single submitter. Criteria: ACMG Guidelines, 2015. Collection method: not provided. Allele origin: germline. Inheritance: Autosomal recessive inheritance. Affected: yes.

Literature cited by the submitters: PubMed 20849526 (cited by Mayo Clinic Laboratories, Mayo Clinic); PubMed 26986070 (cited by Mayo Clinic Laboratories, Mayo Clinic); PubMed 32088153 (cited by Mayo Clinic Laboratories, Mayo Clinic).

NM_022436.3(ABCG5):c.1550C>G (p.Thr517Ser)

Genes: ABCG5 (ATP binding cassette subfamily G member 5; minus strand), DYNC2LI1 (dynein cytoplasmic 2 light intermediate chain 1; plus strand). Cytogenetic location: 2p21.
Variant type: single nucleotide variant.
Coding change: c.1550C>G on transcript NM_022436.3 (MANE Select); coding-DNA position 1550, C replaced by G.
Protein change: p.Thr517Ser; replaces threonine 517 with serine.
Molecular consequence: missense variant. On other transcripts: intron variant (2).
Genome position (GRCh38, 1-based): chr2:43,820,014, G>C on the plus strand (C>G on the coding strand, the complement: ABCG5 is on the minus strand). VCF-style: chr2-43820014-G-C. GRCh37 (hg19) VCF-style: chr2-44047153-G-C.
Other names: p.Thr517Ser; c.*16-7372G>C (NM_001348913.2, NM_001348912.2); short protein forms T517S.
Identifiers: ClinVar variation 779657 (VCV000779657.22), dbSNP rs17031672, ClinGen allele CA1636232.